The following is an entry in ClinVar:

NM_000276.4(OCRL):c.569G>C (p.Arg190Pro)

Gene: OCRL (OCRL inositol polyphosphate-5-phosphatase; plus strand). Cytogenetic location: Xq26.1.
Variant type: single nucleotide variant.
Coding change: c.569G>C on transcript NM_000276.4 (MANE Select); coding-DNA position 569, G replaced by C.
Protein change: p.Arg190Pro; replaces arginine 190 with proline.
Molecular consequence: missense variant.
Genome position (GRCh38, 1-based): chrX:129,558,848, G>C. VCF-style: chrX-129558848-G-C. GRCh37 (hg19) VCF-style: chrX-128692825-G-C.
Other names: c.572G>C, p.Arg191Pro (NM_001318784.2); c.569G>C, p.Arg190Pro (NM_001587.4); short protein forms R190P, R191P.
Identifiers: ClinVar variation 2920174 (VCV002920174.3), dbSNP rs776946722, ClinGen allele CA414551557.
Genomic context (GRCh38, chrX:129,558,848, plus strand): 5'-GAGAATTATAGTTTAAACAATTTTACTTTTGAATCTCTCATTTATTTGCTAGGCTTCCAC[G>C]TGAAAAAGAAGCTTCTAACAAGGAGCAGCCCAAAGTGACCAACACCATGCGGAAGCTCTT-3'
Protein context (NP_000267.2, residues 180-200): PPFSVNKMLP[Arg190Pro]EKEASNKEQP

ClinVar aggregate classification (germline): Uncertain significance (1 of 4 stars; one submission).

Conditions:
Lowe syndrome (OCRL). Also called: LOWE OCULOCEREBRORENAL SYNDROME; PHOSPHATIDYLINOSITOL 4,5-BISPHOSPHATE 5-PHOSPHATASE DEFICIENCY; Oculocerebrorenal Syndrome. Identifiers: Orphanet 534, MedGen C0028860, MONDO:0010645, OMIM 309000.

Submission:

Labcorp Genetics (formerly Invitae), Labcorp
Classification: Uncertain significance for Lowe syndrome. Last evaluated: 2023-01-13. Review status: criteria provided, single submitter. Criteria: Invitae Variant Classification Sherloc (09022015). Collection method: clinical testing. Allele origin: germline.
Comment: In summary, the available evidence is currently insufficient to determine the role of this variant in disease. Therefore, it has been classified as a Variant of Uncertain Significance. Advanced modeling of protein sequence and biophysical properties (such as structural, functional, and spatial information, amino acid conservation, physicochemical variation, residue mobility, and thermodynamic stability) has been performed at Invitae for this missense variant, however the output from this modeling did not meet the statistical confidence thresholds required to predict the impact of this variant on OCRL protein function. This variant has not been reported in the literature in individuals affected with OCRL-related conditions. This variant is not present in population databases (gnomAD no frequency). This sequence change replaces arginine, which is basic and polar, with proline, which is neutral and non-polar, at codon 190 of the OCRL protein (p.Arg190Pro).